The following is an entry in ClinVar:

ClinVar aggregate classification (germline): Benign/Likely benign. Review status: criteria provided, multiple submitters, no conflicts (2 of 4 stars). 5 submissions from 5 submitters: Benign (3); Likely benign (1). 1 of the submissions does not count toward it. Last evaluated 2026-09-01.

Conditions:
Inborn genetic diseases. Identifiers: MedGen C0950123, MeSH D030342.
SMARCA2-related disorder. Also called: SMARCA2-related condition.

Allele frequency attached by ClinVar (database versions not stated): 1000 Genomes Project 30x 0.00109; 1000 Genomes Project 0.00120; ExAC 0.00141; gnomAD exomes 0.00181 and 0.00041; ESP Exome Variant Server 0.00015; gnomAD 0.00058 and 0.00060; TOPMed 0.00106.
gnomAD v4.1: 681 of 1,613,496 alleles (0.042%); highest among the groups gnomAD compares: Admixed American, 0.94%; 7 homozygotes.

Submissions (5):

CeGaT Center for Human Genetics Tuebingen
Classification: Likely benign. Last evaluated: 2026-09-01. Review status: criteria provided, single submitter. Criteria: CeGaT Center For Human Genetics Tuebingen Variant Classification Criteria Version 2. Collection method: clinical testing. Allele origin: germline. Affected: yes. Observed: 10 variant alleles.
Comment: SMARCA2: BP4, BP7, BS1

Labcorp Genetics (formerly Invitae), Labcorp
Classification: Benign. Last evaluated: 2026-01-28. Review status: criteria provided, single submitter. Criteria: Invitae Variant Classification Sherloc (09022015). Collection method: clinical testing. Allele origin: germline.

GeneDx
Classification: Benign. Last evaluated: 2020-04-03. Review status: criteria provided, single submitter. Criteria: GeneDx Variant Classification Process June 2021. Collection method: clinical testing. Allele origin: germline. Affected: yes.

Ambry Genetics
Classification: Benign for Inborn genetic diseases. Last evaluated: 2016-12-19. Review status: criteria provided, single submitter. Criteria: Ambry Variant Classification Scheme 2023. Collection method: clinical testing. Allele origin: germline.

PreventionGenetics, part of Exact Sciences
Classification: Benign for SMARCA2-related condition. Last evaluated: 2019-05-07. Review status: no assertion criteria provided. Collection method: clinical testing. Allele origin: germline. Not counted in ClinVar's aggregate classification.
Comment: This variant is classified as benign based on ACMG/AMP sequence variant interpretation guidelines (Richards et al. 2015 PMID: 25741868, with internal and published modifications).

NM_003070.5(SMARCA2):c.231C>T (p.Ile77=)

Gene: SMARCA2 (SWI/SNF related BAF chromatin remodeling complex subunit ATPase 2; plus strand). Cytogenetic location: 9p24.3.
Variant type: single nucleotide variant.
Coding change: c.231C>T on transcript NM_003070.5 (MANE Select); coding-DNA position 231, C replaced by T.
Protein change: p.Ile77=; no amino-acid change (isoleucine 77 retained).
Molecular consequence: synonymous variant.
Genome position (GRCh38, 1-based): chr9:2,032,957, C>T. VCF-style: chr9-2032957-C-T. GRCh37 (hg19) VCF-style: chr9-2032957-C-T.
Other names: c.231C>T, p.Ile77= (NM_001289396.2, NM_001289397.2, NM_139045.4).
Identifiers: ClinVar variation 588510 (VCV000588510.23), dbSNP rs148086416, ClinGen allele CA4962799.